The following is an entry in ClinVar:

NM_001267550.2(TTN):c.89321G>A (p.Arg29774Lys)

Genes: TTN (titin; minus strand), TTN-AS1 (TTN antisense RNA 1; plus strand). Cytogenetic location: 2q31.2.
Variant type: single nucleotide variant.
Coding change: c.89321G>A on transcript NM_001267550.2 (MANE Select); coding-DNA position 89321, G replaced by A.
Protein change: p.Arg29774Lys; replaces arginine 29774 with lysine.
Molecular consequence: missense variant.
Genome position (GRCh38, 1-based): chr2:178,553,684, C>T on the plus strand (G>A on the coding strand, the complement: TTN is on the minus strand). VCF-style: chr2-178553684-C-T. GRCh37 (hg19) VCF-style: chr2-179418411-C-T.
Other names: c.84398G>A, p.Arg28133Lys (NM_001256850.1); c.62126G>A, p.Arg20709Lys (NM_003319.4); c.81617G>A, p.Arg27206Lys (NM_133378.4); c.62501G>A, p.Arg20834Lys (NM_133432.3); c.62702G>A, p.Arg20901Lys (NM_133437.4); short protein forms R28133K, R20834K, R20901K, R20709K, R27206K, R29774K.
Identifiers: ClinVar variation 4986383 (VCV004986383.1).
Genomic context (GRCh38, chr2:178,553,684, plus strand): 5'-TCTGTAGTTCTGACCTCTCCTTTGGTAGAGACAGTAGTCCATTCCTCTTCCTCTCCTTGT[C>T]TTATCTCGACAACATACCCAGTAACAGCACTGCCCCCATCATAGACAGGCTTACTCCAGC-3'
Protein context (NP_001254479.2, residues 29764-29784): SAVTGYVVEI[Arg29774Lys]QGEEEEWTTV

ClinVar aggregate classification (germline): Uncertain significance (1 of 4 stars; one submission).

Conditions:
TTN-related disorder. Also called: TTN-related disorders; TTN-related condition; TTN-related disease.

gnomAD v4.1: 10 of 1,613,766 alleles (0.00062%); highest among the groups gnomAD compares: African/African-American, 0.012%; no homozygotes.

Submission:

PreventionGenetics, part of Exact Sciences
Classification: Uncertain significance for TTN-related condition. Last evaluated: 2026-06-08. Review status: criteria provided, single submitter. Criteria: ACMG Guidelines, 2015. Collection method: clinical testing. Allele origin: germline.
Comment: The TTN c.89321G>A variant is predicted to result in the amino acid substitution p.Arg29774Lys. To our knowledge, this variant has not been reported in the literature. This variant is reported in 0.011% of alleles in individuals of African descent in gnomAD. At this time, the clinical significance of this variant is uncertain due to the absence of conclusive functional and genetic evidence.